The following is an entry in ClinVar:

NM_000492.4(CFTR):c.3739G>T (p.Gly1247Ter)

Genes: CFTR (CF transmembrane conductance regulator; plus strand), CFTR-AS2 (CFTR antisense RNA 2; minus strand). Cytogenetic location: 7q31.2.
Variant type: single nucleotide variant.
Coding change: c.3739G>T on transcript NM_000492.4 (MANE Select); coding-DNA position 3739, G replaced by T.
Protein change: p.Gly1247Ter; replaces glycine 1247 with a stop codon.
Molecular consequence: nonsense.
Genome position (GRCh38, 1-based): chr7:117,642,459, G>T. VCF-style: chr7-117642459-G-T. GRCh37 (hg19) VCF-style: chr7-117282513-G-T.
Other names: short protein forms G1247*.
Identifiers: ClinVar variation 2735084 (VCV002735084.3), dbSNP rs397508601, ClinGen allele CA368974488.
Genomic context (GRCh38, chr7:117,642,459, plus strand): 5'-ATATGTCACAGAAGTGATCCCATCACTTTTACCTTATAGGTGGGCCTCTTGGGAAGAACT[G>T]GATCAGGGAAGAGTACTTTGTTATCAGCTTTTTTGAGACTACTGAACACTGAAGGAGAAA-3'

ClinVar aggregate classification (germline): Pathogenic (1 of 4 stars; one submission).

Conditions:
Cystic fibrosis (CF). Also called: MUCOVISCIDOSIS. Identifiers: Orphanet 586, MedGen C0010674, MONDO:0009061, OMIM 219700. Disease mechanism: loss of function.

Submission:

Labcorp Genetics (formerly Invitae), Labcorp
Classification: Pathogenic for Cystic fibrosis. Last evaluated: 2023-09-30. Review status: criteria provided, single submitter. Criteria: Invitae Variant Classification Sherloc (09022015). Collection method: clinical testing. Allele origin: germline.
Comment: This sequence change creates a premature translational stop signal (p.Gly1247*) in the CFTR gene. It is expected to result in an absent or disrupted protein product. Loss-of-function variants in CFTR are known to be pathogenic (PMID: 1695717, 7691345, 9725922). This variant is not present in population databases (gnomAD no frequency). This premature translational stop signal has been observed in individual(s) with cystic fibrosis (PMID: 22798282). This variant is also known as c.3871G>T . For these reasons, this variant has been classified as Pathogenic.

Literature cited by the submitters: PubMed 1695717; PubMed 7691345; PubMed 9725922; PubMed 22798282.